The following is an entry in ClinVar:

ClinVar aggregate classification (germline): Uncertain significance (1 of 4 stars; one submission).

gnomAD v4.1: 20 of 1,614,062 alleles (0.0012%); highest among the groups gnomAD compares: Admixed American, 0.0017%; no homozygotes.

Submission:

Labcorp Genetics (formerly Invitae), Labcorp
Classification: Uncertain significance. Last evaluated: 2024-08-14. Review status: criteria provided, single submitter. Criteria: Invitae Variant Classification Sherloc (09022015). Collection method: clinical testing. Allele origin: germline.
Comment: This sequence change replaces alanine, which is neutral and non-polar, with threonine, which is neutral and polar, at codon 1367 of the ATRN protein (p.Ala1367Thr). This variant is present in population databases (rs150056234, gnomAD 0.008%). This variant has not been reported in the literature in individuals affected with ATRN-related conditions. An algorithm developed to predict the effect of missense changes on protein structure and function (PolyPhen-2) suggests that this variant is likely to be disruptive. In summary, the available evidence is currently insufficient to determine the role of this variant in disease. Therefore, it has been classified as a Variant of Uncertain Significance.

NM_139321.3(ATRN):c.4099G>A (p.Ala1367Thr)

Gene: ATRN (attractin; plus strand). Cytogenetic location: 20p13.
Variant type: single nucleotide variant.
Coding change: c.4099G>A on transcript NM_139321.3 (MANE Select); coding-DNA position 4099, G replaced by A.
Protein change: p.Ala1367Thr; replaces alanine 1367 with threonine.
Molecular consequence: missense variant.
Genome position (GRCh38, 1-based): chr20:3,644,202, G>A. VCF-style: chr20-3644202-G-A. GRCh37 (hg19) VCF-style: chr20-3624849-G-A.
Other names: short protein forms A1367T.
Identifiers: ClinVar variation 3621267 (VCV003621267.2).